The following is an entry in ClinVar:

NM_000257.4(MYH7):c.454C>A (p.Pro152Thr)

Gene: MYH7 (myosin heavy chain 7; minus strand). Cytogenetic location: 14q11.2.
Variant type: single nucleotide variant.
Coding change: c.454C>A on transcript NM_000257.4 (MANE Select); coding-DNA position 454, C replaced by A.
Protein change: p.Pro152Thr; replaces proline 152 with threonine.
Molecular consequence: missense variant.
Genome position (GRCh38, 1-based): chr14:23,432,687, G>T on the plus strand (C>A on the coding strand, the complement: MYH7 is on the minus strand). VCF-style: chr14-23432687-G-T. GRCh37 (hg19) VCF-style: chr14-23901896-G-T.
Other names: c.454C>A, p.Pro152Thr (NM_001407004.1); short protein forms P152T.
Identifiers: ClinVar variation 4758514 (VCV004758514.1).

ClinVar aggregate classification (germline): Uncertain significance (1 of 4 stars; one submission).

Conditions:
Cardiomyopathy (CMYO). Also called: Cardiomyopathies. Identifiers: Orphanet 167848, MedGen C0878544, MONDO:0004994, HP:0001638. Inheritance: Various modes of inheritance.

Submission:

Color Diagnostics, LLC DBA Color Health
Classification: Uncertain significance for Cardiomyopathy. Last evaluated: 2025-07-08. Review status: criteria provided, single submitter. Criteria: ACMG Guidelines, 2015. Collection method: clinical testing. Allele origin: germline.
Comment: This missense variant replaces proline with threonine at codon 152 of the MYH7 protein. Computational prediction suggests that this variant may have deleterious impact on protein structure and function. To our knowledge, functional studies have not been reported for this variant. This variant has not been reported in individuals affected with MYH7-related disorders in the literature. This variant has not been identified in the general population by the Genome Aggregation Database (gnomAD). The available evidence is insufficient to determine the role of this variant in disease conclusively. Therefore, this variant is classified as a Variant of Uncertain Significance.